The following is an entry in ClinVar:

ClinVar aggregate classification (germline): Pathogenic (1 of 4 stars; one submission).

Submission:

GeneDx
Classification: Pathogenic. Last evaluated: 2018-10-18. Review status: criteria provided, single submitter. Criteria: GeneDx Variant Classification (06012015). Collection method: clinical testing. Allele origin: germline. Affected: yes.
Comment: The c.935delT pathogenic variant in the AR gene causes a frameshift starting with codon Phenylalanine, changes this amino acid to a Serine residue and creates a premature Stop codon at position 9 of the new reading frame, denoted p.Phe312SerfsX9. This pathogenic variant is predicted to cause loss of normal protein function either through protein truncation or nonsense-mediated mRNA decay. The variant is not observed in large population cohorts (Lek et al., 2016).

NM_000044.6(AR):c.935del (p.Phe312fs)

Gene: AR (androgen receptor; plus strand). Cytogenetic location: Xq12.
Variant type: Deletion.
Coding change: c.935del on transcript NM_000044.6 (MANE Select); coding-DNA position 935, one base deleted (T; older notation c.935delT).
Protein change: p.Phe312fs; shifts the reading frame from phenylalanine 312.
Molecular consequence: frameshift variant. On other transcripts: 5 prime UTR variant (1).
Genome position (GRCh38, 1-based): chrX:67,546,081, T deleted; the last of 3 consecutive T bases (chrX:67,546,079-67,546,081); deleting any one gives the same sequence. VCF-style (leftmost placement, unchanged base first): chrX-67546078-CT-C. GRCh37 (hg19) VCF-style: chrX-66765920-CT-C.
Other names: c.-849del (NM_001011645.3); c.935del, p.Phe312fs (NM_001348061.1, NM_001348063.1, NM_001348064.1); short protein forms F312fs.
Identifiers: ClinVar variation 817886 (VCV000817886.1), dbSNP rs1602144278, ClinGen allele CA915951142.